The following is an entry in ClinVar:

ClinVar aggregate classification (germline): Uncertain significance (1 of 4 stars; one submission).

Conditions:
Hereditary hyperferritinemia with congenital cataracts. Also called: HYPERFERRITINEMIA WITH OR WITHOUT CATARACT; Hereditary hyperferritinemia cataract syndrome; Bonneau-Beaumont syndrome. Identifiers: Orphanet 163, MedGen C1833213, MONDO:0010952, OMIM 600886.
Neuroferritinopathy (NBIA3). Also called: NEURODEGENERATION WITH BRAIN IRON ACCUMULATION 3; BASAL GANGLIA DISEASE, ADULT-ONSET. Identifiers: Orphanet 157846, MedGen C1853578, MONDO:0011638, OMIM 606159.

gnomAD v4.1: 3 of 1,154,342 alleles (0.00026%); highest among the groups gnomAD compares: African/African-American, 0.0045%; no homozygotes.

Submission:

Labcorp Genetics (formerly Invitae), Labcorp
Classification: Uncertain significance for Neuroferritinopathy; Hereditary hyperferritinemia with congenital cataracts. Last evaluated: 2025-10-09. Review status: criteria provided, single submitter. Criteria: Invitae Variant Classification Sherloc (09022015). Collection method: clinical testing. Allele origin: germline.
Comment: This variant occurs in a non-coding region of the FTL gene. It does not change the encoded amino acid sequence of the FTL protein. This variant is not present in population databases (gnomAD no frequency). This variant has not been reported in the literature in individuals affected with FTL-related conditions. In summary, the available evidence is currently insufficient to determine the role of this variant in disease. Therefore, it has been classified as a Variant of Uncertain Significance.

NM_000146.4(FTL):c.-60T>C

Gene: FTL (ferritin light chain; plus strand). Cytogenetic location: 19q13.33.
Variant type: single nucleotide variant.
Coding change: c.-60T>C on transcript NM_000146.4 (MANE Select); 60 bases upstream of the start codon, T replaced by C.
Molecular consequence: 5 prime UTR variant.
Genome position (GRCh38, 1-based): chr19:48,965,448, T>C. VCF-style: chr19-48965448-T-C. GRCh37 (hg19) VCF-style: chr19-49468705-T-C.
Identifiers: ClinVar variation 4782329 (VCV004782329.1).